The following is an entry in ClinVar:

ClinVar aggregate classification (germline): Uncertain significance (1 of 4 stars; one submission).

Submission:

GeneDx
Classification: Uncertain significance. Last evaluated: 2025-02-15. Review status: criteria provided, single submitter. Criteria: GeneDx Variant Classification Process June 2021. Collection method: clinical testing. Allele origin: germline.
Comment: Not observed at significant frequency in large population cohorts (gnomAD); In silico analysis supports that this missense variant has a deleterious effect on protein structure/function; Has not been previously published as pathogenic or benign to our knowledge

NM_002472.3(MYH8):c.372C>G (p.Phe124Leu)

Genes: MYH8 (myosin heavy chain 8; minus strand), MYHAS (myosin heavy chain gene cluster antisense RNA; plus strand). Cytogenetic location: 17p13.1.
Variant type: single nucleotide variant.
Coding change: c.372C>G on transcript NM_002472.3 (MANE Select); coding-DNA position 372, C replaced by G.
Protein change: p.Phe124Leu; replaces phenylalanine 124 with leucine.
Molecular consequence: missense variant.
Genome position (GRCh38, 1-based): chr17:10,418,784, G>C on the plus strand (C>G on the coding strand, the complement: MYH8 is on the minus strand). VCF-style: chr17-10418784-G-C. GRCh37 (hg19) VCF-style: chr17-10322101-G-C.
Other names: short protein forms F124L.
Identifiers: ClinVar variation 3365589 (VCV003365589.2).